The following is an entry in ClinVar:

ClinVar aggregate classification (germline): Uncertain significance (1 of 4 stars; one submission).

Allele frequency attached by ClinVar (database versions not stated): gnomAD exomes below 0.00001.

Submission:

Laboratory for Molecular Medicine, Mass General Brigham Personalized Medicine
Classification: Uncertain significance. Last evaluated: 2018-02-20. Review status: criteria provided, single submitter. Criteria: LMM Criteria. Collection method: clinical testing. Allele origin: germline. Observed: 1 variant allele.
Comment: The p.Asp233Gly variant in P2RX2 has not been previously reported in individuals with hearing loss or in large population studies. Computational prediction tool s and conservation analysis do not provide strong support for or against an impa ct to the protein. Asparagine at position 233 is not conserved in mammals or evo lutionarily distant species, supporting that a change at this position may be to lerated. In summary, the clinical significance of the p.Asp233Gly variant is un certain. ACMG/AMP Criteria applied: PM2.

NM_170682.4(P2RX2):c.698A>G (p.Asp233Gly)

Gene: P2RX2 (purinergic receptor P2X 2; plus strand). Cytogenetic location: 12q24.33.
Variant type: single nucleotide variant.
Coding change: c.698A>G on transcript NM_170682.4 (MANE Select); coding-DNA position 698, A replaced by G.
Protein change: p.Asp233Gly; replaces aspartic acid 233 with glycine.
Molecular consequence: missense variant. On other transcripts: synonymous variant (1).
Genome position (GRCh38, 1-based): chr12:132,620,507, A>G. VCF-style: chr12-132620507-A-G. GRCh37 (hg19) VCF-style: chr12-133197093-A-G.
Other names: c.591A>G, p.Arg197= (NM_001282164.2); c.698A>G, p.Asp233Gly (NM_001282165.2, NM_170683.4, NM_174873.3); c.482A>G, p.Asp161Gly (NM_012226.5); c.626A>G, p.Asp209Gly (NM_016318.4); c.422A>G, p.Asp141Gly (NM_174872.3); short protein forms D141G, D161G, D209G, D233G.
Identifiers: ClinVar variation 666900 (VCV000666900.4), dbSNP rs1593676004, ClinGen allele CA387360139.